The following is an entry in ClinVar:

ClinVar aggregate classification (germline): Benign/Likely benign. Review status: criteria provided, multiple submitters, no conflicts (2 of 4 stars). 10 submissions from 10 submitters: Benign (5); Likely benign (4). 1 of the submissions does not count toward it. Last evaluated 2026-02-03.

Conditions:
TSC2-related disorder. Also called: TSC2-Related Disorders; TSC2-related condition.
Hereditary cancer-predisposing syndrome. Also called: Tumor predisposition; Hereditary Cancer Syndrome; Neoplastic Syndromes, Hereditary; Hereditary neoplastic syndrome. Identifiers: Orphanet 140162, MedGen C0027672, MeSH D009386, MONDO:0015356.
Tuberous sclerosis syndrome (TSC). Also called: Tuberous Sclerosis Complex; Tuberous sclerosis. Identifiers: Orphanet 805, MedGen C0041341, MONDO:0001734.
Tuberous sclerosis 2 (TSC2). Identifiers: Orphanet 805, MedGen C1860707, MONDO:0013199, OMIM 613254.

Allele frequency attached by ClinVar (database versions not stated): gnomAD exomes 0.00003 and 0.00007; ExAC 0.00009; ESP Exome Variant Server 0.00015; TOPMed 0.00028; gnomAD 0.00020 and 0.00023.
gnomAD v4.1: 75 of 1,610,606 alleles (0.0047%); highest among the groups gnomAD compares: African/African-American, 0.059%; no homozygotes.

Submissions (10):

Labcorp Genetics (formerly Invitae), Labcorp
Classification: Benign for Tuberous sclerosis 2. Last evaluated: 2026-02-03. Review status: criteria provided, single submitter. Criteria: Invitae Variant Classification Sherloc (09022015). Collection method: clinical testing. Allele origin: germline.

Myriad Genetics, Inc.
Classification: Benign for Tuberous sclerosis 2. Last evaluated: 2025-06-05. Review status: criteria provided, single submitter. Criteria: Myriad Autosomal Dominant, Autosomal Recessive and X-Linked Classification Criteria (2023). Collection method: clinical testing. Allele origin: unknown.
Comment: This variant is considered benign. This variant is a silent/synonymous amino acid change and it is not expected to impact splicing.

Athena Diagnostics
Classification: Benign. Last evaluated: 2024-02-16. Review status: criteria provided, single submitter. Criteria: Athena Diagnostics Criteria. Collection method: clinical testing. Allele origin: unknown.

CeGaT Center for Human Genetics Tuebingen
Classification: Likely benign. Last evaluated: 2023-12-01. Review status: criteria provided, single submitter. Criteria: CeGaT Center For Human Genetics Tuebingen Variant Classification Criteria Version 2. Collection method: clinical testing. Allele origin: germline. Affected: yes. Observed: 1 variant allele.
Comment: TSC2: BP4, BP7

Color Diagnostics, LLC DBA Color Health
Classification: Likely benign for Tuberous sclerosis syndrome. Last evaluated: 2022-11-06. Review status: criteria provided, single submitter. Criteria: ACMG Guidelines, 2015. Collection method: clinical testing. Allele origin: germline.

Genome-Nilou Lab
Classification: Benign for Tuberous sclerosis 2. Last evaluated: 2021-11-07. Review status: criteria provided, single submitter. Criteria: ACMG Guidelines, 2015. Collection method: clinical testing. Allele origin: germline. Affected: no.

Sema4
Classification: Likely benign for Hereditary cancer-predisposing syndrome. Last evaluated: 2020-09-01. Review status: criteria provided, single submitter. Criteria: Sema4 Curation Guidelines. Collection method: curation. Allele origin: germline.

GeneDx
Classification: Benign. Last evaluated: 2019-12-13. Review status: criteria provided, single submitter. Criteria: GeneDx Variant Classification Process June 2021. Collection method: clinical testing. Allele origin: germline. Affected: yes.
Comment: This variant is associated with the following publications: (PMID: 22810696)

Ambry Genetics
Classification: Likely benign for Hereditary cancer-predisposing syndrome. Last evaluated: 2015-11-13. Review status: criteria provided, single submitter. Criteria: Ambry Variant Classification Scheme 2023. Collection method: clinical testing. Allele origin: germline.

PreventionGenetics, part of Exact Sciences
Classification: Likely benign for TSC2-related condition. Last evaluated: 2023-07-20. Review status: no assertion criteria provided. Collection method: clinical testing. Allele origin: germline. Not counted in ClinVar's aggregate classification.
Comment: This variant is classified as likely benign based on ACMG/AMP sequence variant interpretation guidelines (Richards et al. 2015 PMID: 25741868, with internal and published modifications).

NM_000548.5(TSC2):c.4929C>T (p.Asn1643=)

Gene: TSC2 (TSC complex subunit 2; plus strand). Cytogenetic location: 16p13.3.
Variant type: single nucleotide variant.
Coding change: c.4929C>T on transcript NM_000548.5 (MANE Select); coding-DNA position 4929, C replaced by T.
Protein change: p.Asn1643=; no amino-acid change (asparagine 1643 retained).
Molecular consequence: synonymous variant.
Genome position (GRCh38, 1-based): chr16:2,086,811, C>T. VCF-style: chr16-2086811-C-T. GRCh37 (hg19) VCF-style: chr16-2136812-C-T.
Other names: c.4929C>T (NM_000548.4); c.4728C>T, p.Asn1576= (NM_001077183.3); c.4860C>T, p.Asn1620= (NM_001114382.3); c.4620C>T, p.Asn1540= (NM_001318827.2); c.4584C>T, p.Asn1528= (NM_001318829.2); c.4197C>T, p.Asn1399= (NM_001318831.2); c.4761C>T, p.Asn1587= (NM_001318832.2); c.4731C>T, p.Asn1577= (NM_001363528.2); and 2 more.
Identifiers: ClinVar variation 238069 (VCV000238069.46), dbSNP rs45517381, ClinGen allele CA053093.